The following is an entry in ClinVar:

NM_017934.7(PHIP):c.2383A>C (p.Asn795His)

Gene: PHIP (PHIP subunit of CUL4-Ring ligase complex; minus strand). Cytogenetic location: 6q14.1.
Variant type: single nucleotide variant.
Coding change: c.2383A>C on transcript NM_017934.7 (MANE Select); coding-DNA position 2383, A replaced by C.
Protein change: p.Asn795His; replaces asparagine 795 with histidine.
Molecular consequence: missense variant.
Genome position (GRCh38, 1-based): chr6:78,988,286, T>G on the plus strand (A>C on the coding strand, the complement: PHIP is on the minus strand). VCF-style: chr6-78988286-T-G. GRCh37 (hg19) VCF-style: chr6-79698003-T-G.
Other names: short protein forms N795H.
Identifiers: ClinVar variation 3931643 (VCV003931643.2).
Genomic context (GRCh38, chr6:78,988,286, plus strand): 5'-CATTTTCTATCTCTTCTGAGGGTCTAGGAGTCTCTTCCAATGCAGATCTTGTACGATAAT[T>G]GTGTTGATTTGTCTGTTGCTTTTTGGATTCTCCAAGATCCAGGAAATGCTCATGAGCATG-3'
Protein context (NP_060404.4, residues 785-805): ESKKQQTNQH[Asn795His]YRTRSALEET

ClinVar aggregate classification (germline): Uncertain significance. Review status: criteria provided, multiple submitters, no conflicts (2 of 4 stars). 2 submissions from 2 submitters: Uncertain significance (2). Last evaluated 2025-12-21.

Conditions:
Inborn genetic diseases. Identifiers: MedGen C0950123, MeSH D030342.

gnomAD v4.1: 3 of 1,607,374 alleles (0.00019%); highest among the groups gnomAD compares: Non-Finnish European, 0.00026%; no homozygotes.

Submissions (2):

Labcorp Genetics (formerly Invitae), Labcorp
Classification: Uncertain significance. Last evaluated: 2025-12-21. Review status: criteria provided, single submitter. Criteria: Invitae Variant Classification Sherloc (09022015). Collection method: clinical testing. Allele origin: germline.
Comment: This sequence change replaces asparagine, which is neutral and polar, with histidine, which is basic and polar, at codon 795 of the PHIP protein (p.Asn795His). This variant is present in population databases (rs763806236, gnomAD 0.0009%). This variant has not been reported in the literature in individuals affected with PHIP-related conditions. ClinVar contains an entry for this variant (Variation ID: 3931643). Invitae Evidence Modeling of protein sequence and biophysical properties (such as structural, functional, and spatial information, amino acid conservation, physicochemical variation, residue mobility, and thermodynamic stability) indicates that this missense variant is not expected to disrupt PHIP protein function with a negative predictive value of 95%. In summary, the available evidence is currently insufficient to determine the role of this variant in disease. Therefore, it has been classified as a Variant of Uncertain Significance.

Ambry Genetics
Classification: Uncertain significance for Inborn genetic diseases. Last evaluated: 2025-05-23. Review status: criteria provided, single submitter. Criteria: Ambry Variant Classification Scheme 2023. Collection method: clinical testing. Allele origin: germline.